The following is an entry in ClinVar:

ClinVar aggregate classification (germline): Pathogenic. Review status: criteria provided, multiple submitters, no conflicts (2 of 4 stars). 2 submissions from 2 submitters: Pathogenic (2). Last evaluated 2026-03-23.

Conditions:
Tyrosinemia type III. Also called: Tyrosinemia type 3; 4-alpha hydroxyphenylpyruvic acid oxidase deficiency; 4-alpha hydroxyphenylpyruvate dioxygenase deficiency; 4-Hydroxyphenylpyruvate dioxygenase deficiency; 4-HYDROXYPHENYLPYRUVIC ACID OXIDASE DEFICIENCY. Identifiers: Orphanet 69723, MedGen C0268623, MONDO:0010162, OMIM 276710.
Hawkinsinuria. Identifiers: Orphanet 2118, MedGen C2931042, MONDO:0007700, OMIM 140350, HP:0034457.

Submissions (2):

Women's Health and Genetics/Laboratory Corporation of America, LabCorp
Classification: Pathogenic for Tyrosinemia type III. Last evaluated: 2026-03-23. Review status: criteria provided, single submitter. Criteria: LabCorp Variant Classification Summary - May 2015. Collection method: clinical testing. Allele origin: germline.
Comment: Variant summary: HPD c.248delG (p.Gly83AlafsX5) results in a premature termination codon, predicted to cause a truncation of the encoded protein or absence of the protein due to nonsense mediated decay, which are commonly known mechanisms for disease. The variant allele was found at a frequency of 4e-06 in 251442 control chromosomes. c.248delG has been observed as heterozygous in an individual affected with Tyrosinemia Type 3 upon newborn screening (Zhao_2020). This report suggests that this variant is likely to be associated with disease. To our knowledge, no experimental evidence demonstrating an impact on protein function has been reported. The following publication have been ascertained in the context of this evaluation (PMID: 32109208). ClinVar contains an entry for this variant (Variation ID: 2429187). Based on the evidence outlined above, the variant was classified as pathogenic.

Labcorp Genetics (formerly Invitae), Labcorp
Classification: Pathogenic for Tyrosinemia type III; Hawkinsinuria. Last evaluated: 2023-06-14. Review status: criteria provided, single submitter. Criteria: Invitae Variant Classification Sherloc (09022015). Collection method: clinical testing. Allele origin: germline.
Comment: For these reasons, this variant has been classified as Pathogenic. ClinVar contains an entry for this variant (Variation ID: 2429187). This premature translational stop signal has been observed in individual(s) with clinical features of HPD-related condition (PMID: 32109208). This variant is present in population databases (rs747956311, gnomAD 0.0009%). This sequence change creates a premature translational stop signal (p.Gly83Alafs*5) in the HPD gene. It is expected to result in an absent or disrupted protein product. Loss-of-function variants in HPD are known to be pathogenic (PMID: 10942115, 23036342).

Literature cited by the submitters: PubMed 32109208 (cited by Women's Health and Genetics/Laboratory Corporation of America, LabCorp and Labcorp Genetics (formerly Invitae), Labcorp); PubMed 10942115 (cited by Labcorp Genetics (formerly Invitae), Labcorp); PubMed 23036342 (cited by Labcorp Genetics (formerly Invitae), Labcorp).

NM_002150.3(HPD):c.248del (p.Gly83fs)

Genes: HPD (4-hydroxyphenylpyruvate dioxygenase; minus strand), TIALD (transcript inducer of AURKA lysosomal degradation; plus strand), LOC126861662 (MED14-independent group 3 enhancer GRCh37_chr12:122293687-122294886; plus strand). Cytogenetic location: 12q24.31.
Variant type: Deletion.
Coding change: c.248del on transcript NM_002150.3 (MANE Select); coding-DNA position 248, one base deleted (G; older notation c.248delG).
Protein change: p.Gly83fs; shifts the reading frame from glycine 83.
Molecular consequence: frameshift variant.
Genome position (GRCh38, 1-based): chr12:121,856,400, C deleted on the plus strand (G on the coding strand, the reverse complement: HPD is on the minus strand); the first of 3 consecutive C bases (chr12:121,856,400-121,856,402); deleting any one gives the same sequence. VCF-style (leftmost placement, unchanged base first): chr12-121856399-GC-G. GRCh37 (hg19) VCF-style: chr12-122294305-GC-G.
Other names: c.248delG (NM_002150.3); c.131del, p.Gly44fs (NM_001171993.2); short protein forms G44fs, G83fs.
Identifiers: ClinVar variation 2429187 (VCV002429187.8), dbSNP rs747956311, ClinGen allele CA6839742.